The following is an entry in ClinVar:

ClinVar aggregate classification (germline): Conflicting classifications of pathogenicity. Review status: criteria provided, conflicting classifications (1 of 4 stars). 4 submissions from 4 submitters: Uncertain significance (1); Benign (1); Likely benign (1). 1 of the submissions does not count toward it. Last evaluated 2026-01-28.

Conditions:
AP3B1-related disorder. Also called: AP3B1-related condition.
Hermansky-Pudlak syndrome 2 (HPS2). Also called: Platelet defects and oculocutaneous albinism. Identifiers: Orphanet 183678, Orphanet 79430, MedGen C1842362, MONDO:0011997, OMIM 608233.

Allele frequency attached by ClinVar (database versions not stated): ESP Exome Variant Server 0.00008; ExAC 0.00015; gnomAD exomes 0.00020; gnomAD 0.00022 and 0.00024; TOPMed 0.00025.
gnomAD v4.1: 193 of 1,566,504 alleles (0.012%); highest among the groups gnomAD compares: Admixed American, 0.027%; 1 homozygote.

Submissions (4):

Labcorp Genetics (formerly Invitae), Labcorp
Classification: Benign for Hermansky-Pudlak syndrome 2. Last evaluated: 2026-01-28. Review status: criteria provided, single submitter. Criteria: Invitae Variant Classification Sherloc (09022015). Collection method: clinical testing. Allele origin: germline.

Blueprint Genetics
Classification: Likely benign. Last evaluated: 2024-04-29. Review status: criteria provided, single submitter. Criteria: ACMG Guidelines, 2015. Collection method: clinical testing. Allele origin: germline.

Illumina Laboratory Services, Illumina
Classification: Uncertain significance for Hermansky-Pudlak syndrome 2. Last evaluated: 2018-01-13. Review status: criteria provided, single submitter. Criteria: ICSL Variant Classification Criteria 13 December 2019. Collection method: clinical testing. Allele origin: germline.

PreventionGenetics, part of Exact Sciences
Classification: Likely benign for AP3B1-related condition. Last evaluated: 2022-05-11. Review status: no assertion criteria provided. Collection method: clinical testing. Allele origin: germline. Not counted in ClinVar's aggregate classification.
Comment: This variant is classified as likely benign based on ACMG/AMP sequence variant interpretation guidelines (Richards et al. 2015 PMID: 25741868, with internal and published modifications).

NM_003664.5(AP3B1):c.1168-9C>T

Gene: AP3B1 (adaptor related protein complex 3 subunit beta 1; minus strand). Cytogenetic location: 5q14.1.
Variant type: single nucleotide variant.
Coding change: c.1168-9C>T on transcript NM_003664.5 (MANE Select); 9 bases into the intron before coding-DNA position 1168, C replaced by T.
Molecular consequence: intron variant.
Genome position (GRCh38, 1-based): chr5:78,165,681, G>A on the plus strand (C>T on the coding strand, the complement: AP3B1 is on the minus strand). VCF-style: chr5-78165681-G-A. GRCh37 (hg19) VCF-style: chr5-77461505-G-A.
Other names: c.1021-9C>T (NM_001271769.2).
Identifiers: ClinVar variation 354241 (VCV000354241.19), dbSNP rs367648410, ClinGen allele CA3317152.
Genomic context (GRCh38, chr5:78,165,681, plus strand): 5'-GAAGAAGAGTTGATATGTTGGCTTCATTTGCCAAGTTTGTCAAAATTTCAAGCTATAGTA[G>A]AGAAAAGAGAAAGTAAACATTTTAAAACAAAGGTAGCAAGATGAATTTAATAGAGTACAG-3'